The following is an entry in ClinVar:

NM_002161.6(IARS1):c.2849C>T (p.Thr950Ile)

Gene: IARS1 (isoleucyl-tRNA synthetase 1; minus strand). Cytogenetic location: 9q22.31.
Variant type: single nucleotide variant.
Coding change: c.2849C>T on transcript NM_002161.6 (MANE Select); coding-DNA position 2849, C replaced by T.
Protein change: p.Thr950Ile; replaces threonine 950 with isoleucine.
Molecular consequence: missense variant. On other transcripts: non-coding transcript variant (1).
Genome position (GRCh38, 1-based): chr9:92,245,014, G>A on the plus strand (C>T on the coding strand, the complement: IARS1 is on the minus strand). VCF-style: chr9-92245014-G-A. GRCh37 (hg19) VCF-style: chr9-95007296-G-A.
Other names: c.2774C>T, p.Thr925Ile (NM_001374299.1, NM_001374300.1, NM_001378584.1); c.2765C>T, p.Thr922Ile (NM_001374301.1); c.2912C>T, p.Thr971Ile (NM_001378569.1); c.2870C>T, p.Thr957Ile (NM_001378571.1); c.2849C>T, p.Thr950Ile (NM_001378572.1, NM_001378573.1, NM_001378574.1 and 9 more transcripts); c.2753C>T, p.Thr918Ile (NM_001378582.1); c.2726C>T, p.Thr909Ile (NM_001378583.1); short protein forms T909I, T950I, T957I, T971I, T922I, T925I, T918I.
Identifiers: ClinVar variation 3107805 (VCV003107805.2), dbSNP rs1347752502, ClinGen allele CA373810229.
Genomic context (GRCh38, chr9:92,245,014, plus strand): 5'-AATACCTGAGCATCTGAGTGTGCTTCAAATTGCGCAGTCCCACCTGTGGCCTGATCAAAG[G>A]TGTACATGAGGCGGATGTCTTCATCGTGCAATTCATGGCCTTCCACAACAATGGTCCCTA-3'
Protein context (NP_002152.2, residues 940-960): LHDEDIRLMY[Thr950Ile]FDQATGGTAQ

ClinVar aggregate classification (germline): Uncertain significance. Review status: criteria provided, multiple submitters, no conflicts (2 of 4 stars). 2 submissions from 2 submitters: Uncertain significance (2). Last evaluated 2025-10-17.

gnomAD v4.1: 2 of 1,614,182 alleles (0.00012%); highest among the groups gnomAD compares: East Asian, 0.0022%; no homozygotes.

Submissions (2):

Labcorp Genetics (formerly Invitae), Labcorp
Classification: Uncertain significance. Last evaluated: 2025-10-17. Review status: criteria provided, single submitter. Criteria: Invitae Variant Classification Sherloc (09022015). Collection method: clinical testing. Allele origin: germline.
Comment: This sequence change replaces threonine, which is neutral and polar, with isoleucine, which is neutral and non-polar, at codon 950 of the IARS protein (p.Thr950Ile). This variant is not present in population databases (gnomAD no frequency). This variant has not been reported in the literature in individuals affected with IARS-related conditions. ClinVar contains an entry for this variant (Variation ID: 3107805). An algorithm developed to predict the effect of missense changes on protein structure and function (PolyPhen-2) suggests that this variant is likely to be tolerated. In summary, the available evidence is currently insufficient to determine the role of this variant in disease. Therefore, it has been classified as a Variant of Uncertain Significance.

Ambry Genetics
Classification: Uncertain significance. Last evaluated: 2023-11-28. Review status: criteria provided, single submitter. Criteria: Ambry Variant Classification Scheme 2023. Collection method: clinical testing. Allele origin: germline.